The following is an entry in ClinVar:

NM_001378454.1(ALMS1):c.9937C>G (p.Pro3313Ala)

Gene: ALMS1 (ALMS1 centrosome and basal body associated protein; plus strand). Cytogenetic location: 2p13.1.
Variant type: single nucleotide variant.
Coding change: c.9937C>G on transcript NM_001378454.1 (MANE Select); coding-DNA position 9937, C replaced by G.
Protein change: p.Pro3313Ala; replaces proline 3313 with alanine.
Molecular consequence: missense variant.
Genome position (GRCh38, 1-based): chr2:73,550,296, C>G. VCF-style: chr2-73550296-C-G. GRCh37 (hg19) VCF-style: chr2-73777423-C-G.
Other names: c.9940C>G, p.Pro3314Ala (NM_015120.4); short protein forms P3313A, P3314A.
Identifiers: ClinVar variation 1439453 (VCV001439453.6), dbSNP rs762967276, ClinGen allele CA1714836.

ClinVar aggregate classification (germline): Uncertain significance. Review status: criteria provided, multiple submitters, no conflicts (2 of 4 stars). 3 submissions from 3 submitters: Uncertain significance (3). Last evaluated 2026-05-08.

Conditions:
Cardiovascular phenotype. Identifiers: MedGen CN230736.
Alstrom syndrome (ALMS). Identifiers: Orphanet 64, MedGen C0268425, MONDO:0008763, OMIM 203800.

Allele frequency attached by ClinVar (database versions not stated): gnomAD exomes below 0.00001; TOPMed 0.00002; gnomAD 0.00005; ExAC 0.00001.
gnomAD v4.1: 14 of 1,613,996 alleles (0.00087%); highest among the groups gnomAD compares: African/African-American, 0.017%; no homozygotes.

Submissions (3):

Women's Health and Genetics/Laboratory Corporation of America, LabCorp
Classification: Uncertain significance. Last evaluated: 2026-05-08. Review status: criteria provided, single submitter. Criteria: LabCorp Variant Classification Summary - May 2015. Collection method: clinical testing. Allele origin: germline.

Labcorp Genetics (formerly Invitae), Labcorp
Classification: Uncertain significance for Alstrom syndrome. Last evaluated: 2022-11-01. Review status: criteria provided, single submitter. Criteria: Invitae Variant Classification Sherloc (09022015). Collection method: clinical testing. Allele origin: germline.
Comment: This sequence change replaces proline, which is neutral and non-polar, with alanine, which is neutral and non-polar, at codon 3314 of the ALMS1 protein (p.Pro3314Ala). This variant is present in population databases (rs762967276, gnomAD 0.007%). This variant has not been reported in the literature in individuals affected with ALMS1-related conditions. ClinVar contains an entry for this variant (Variation ID: 1439453). Experimental studies and prediction algorithms are not available or were not evaluated, and the functional significance of this variant is currently unknown. In summary, the available evidence is currently insufficient to determine the role of this variant in disease. Therefore, it has been classified as a Variant of Uncertain Significance.

Ambry Genetics
Classification: Uncertain significance for Cardiovascular phenotype. Last evaluated: 2022-10-06. Review status: criteria provided, single submitter. Criteria: Ambry Variant Classification Scheme 2023. Collection method: clinical testing. Allele origin: germline.
Comment: The p.P3314A variant (also known as c.9940C>G), located in coding exon 13 of the ALMS1 gene, results from a C to G substitution at nucleotide position 9940. The proline at codon 3314 is replaced by alanine, an amino acid with highly similar properties. This amino acid position is highly conserved in available vertebrate species. In addition, this alteration is predicted to be tolerated by in silico analysis. Since supporting evidence is limited at this time, the clinical significance of this alteration remains unclear.